The following is an entry in ClinVar:

ClinVar aggregate classification (germline): Uncertain significance (1 of 4 stars; one submission).

Conditions:
Encephalopathy, acute, infection-induced (herpes-specific), susceptibility to, 1. Also called: Herpes simplex encephalitis, susceptibility to, 1. Identifiers: Orphanet 1930, MedGen C2750180, MONDO:0024563, OMIM 610551.

Submission:

Labcorp Genetics (formerly Invitae), Labcorp
Classification: Uncertain significance for Encephalopathy, acute, infection-induced (herpes-specific), susceptibility to, 1. Last evaluated: 2024-03-27. Review status: criteria provided, single submitter. Criteria: Invitae Variant Classification Sherloc (09022015). Collection method: clinical testing. Allele origin: germline.
Comment: This sequence change replaces serine, which is neutral and polar, with arginine, which is basic and polar, at codon 38 of the TLR3 protein (p.Ser38Arg). This variant is not present in population databases (gnomAD no frequency). This variant has not been reported in the literature in individuals affected with TLR3-related conditions. An algorithm developed to predict the effect of missense changes on protein structure and function (PolyPhen-2) suggests that this variant is likely to be tolerated. In summary, the available evidence is currently insufficient to determine the role of this variant in disease. Therefore, it has been classified as a Variant of Uncertain Significance.

NM_003265.3(TLR3):c.114C>G (p.Ser38Arg)

Gene: TLR3 (toll like receptor 3; plus strand). Cytogenetic location: 4q35.1.
Variant type: single nucleotide variant.
Coding change: c.114C>G on transcript NM_003265.3 (MANE Select); coding-DNA position 114, C replaced by G.
Protein change: p.Ser38Arg; replaces serine 38 with arginine.
Molecular consequence: missense variant.
Genome position (GRCh38, 1-based): chr4:186,076,733, C>G. VCF-style: chr4-186076733-C-G. GRCh37 (hg19) VCF-style: chr4-186997887-C-G.
Other names: short protein forms S38R.
Identifiers: ClinVar variation 3647856 (VCV003647856.2).
Genomic context (GRCh38, chr4:186,076,733, plus strand): 5'-GATGCTGTGTGCATCCTCCACCACCAAGTGCACTGTTAGCCATGAAGTTGCTGACTGCAG[C>G]CACCTGAAGTTGACTCAGGTACCCGATGATCTACCCACAAACATAACAGTGTTGAACCTT-3'
Protein context (NP_003256.1, residues 28-48): CTVSHEVADC[Ser38Arg]HLKLTQVPDD